The following is an entry in ClinVar:

NM_002769.5(PRSS1):c.701A>G (p.Asn234Ser)

Genes: PRSS1 (serine protease 1; plus strand), TRB (T cell receptor beta locus; plus strand). Cytogenetic location: 7q34.
Variant type: single nucleotide variant.
Coding change: c.701A>G on transcript NM_002769.5 (MANE Select); coding-DNA position 701, A replaced by G.
Protein change: p.Asn234Ser; replaces asparagine 234 with serine.
Molecular consequence: missense variant. On other transcripts: non-coding transcript variant (5).
Genome position (GRCh38, 1-based): chr7:142,752,977, A>G. VCF-style: chr7-142752977-A-G. GRCh37 (hg19) VCF-style: chr7-142460828-A-G.
Other names: short protein forms N234S.
Identifiers: ClinVar variation 3310655 (VCV003310655.1).

ClinVar aggregate classification (germline): Uncertain significance (1 of 4 stars; one submission).

Conditions:
Hereditary pancreatitis (PCTT). Also called: PRSS1-Related Hereditary Pancreatitis; Hereditary chronic pancreatitis. Identifiers: Orphanet 676, MedGen C0238339, MONDO:0008185, OMIM 167800.

gnomAD v4.1: 4 of 1,613,740 alleles (0.00025%); highest among the groups gnomAD compares: African/African-American, 0.0053%; no homozygotes.

Submission:

Ambry Genetics
Classification: Uncertain significance for Hereditary pancreatitis. Last evaluated: 2024-05-15. Review status: criteria provided, single submitter. Criteria: Ambry Variant Classification Scheme 2023. Collection method: clinical testing. Allele origin: germline.
Comment: The p.N234S variant (also known as c.701A>G), located in coding exon 5 of the PRSS1 gene, results from an A to G substitution at nucleotide position 701. The asparagine at codon 234 is replaced by serine, an amino acid with highly similar properties. This amino acid position is conserved. In addition, this alteration is predicted to be tolerated by in silico analysis. Based on the available evidence, the clinical significance of this variant remains unclear.